The following is an entry in ClinVar:

ClinVar aggregate classification (germline): Uncertain significance (1 of 4 stars; one submission).

Conditions:
Leber congenital amaurosis 6 (LCA6). Identifiers: Orphanet 65, MedGen C1854260, MONDO:0013446, OMIM 613826.
Cone-rod dystrophy 13 (CORD13). Identifiers: Orphanet 1872, MedGen C2750720, MONDO:0011987, OMIM 608194.

Submission:

Labcorp Genetics (formerly Invitae), Labcorp
Classification: Uncertain significance for Leber congenital amaurosis 6; Cone-rod dystrophy 13. Last evaluated: 2022-03-13. Review status: criteria provided, single submitter. Criteria: Invitae Variant Classification Sherloc (09022015). Collection method: clinical testing. Allele origin: germline.
Comment: This variant is not present in population databases (gnomAD no frequency). In summary, the available evidence is currently insufficient to determine the role of this variant in disease. Therefore, it has been classified as a Variant of Uncertain Significance. Algorithms developed to predict the effect of missense changes on protein structure and function are either unavailable or do not agree on the potential impact of this missense change (SIFT: "Tolerated"; PolyPhen-2: "Possibly Damaging"; Align-GVGD: "Class C0"). This variant has not been reported in the literature in individuals affected with RPGRIP1-related conditions. This sequence change replaces lysine, which is basic and polar, with glutamic acid, which is acidic and polar, at codon 61 of the RPGRIP1 protein (p.Lys61Glu).

NM_020366.4(RPGRIP1):c.181A>G (p.Lys61Glu)

Gene: RPGRIP1 (RPGR interacting protein 1; plus strand). Cytogenetic location: 14q11.2.
Variant type: single nucleotide variant.
Coding change: c.181A>G on transcript NM_020366.4 (MANE Select); coding-DNA position 181, A replaced by G.
Protein change: p.Lys61Glu; replaces lysine 61 with glutamic acid.
Molecular consequence: missense variant.
Genome position (GRCh38, 1-based): chr14:21,294,772, A>G. VCF-style: chr14-21294772-A-G. GRCh37 (hg19) VCF-style: chr14-21762931-A-G.
Other names: short protein forms K61E.
Identifiers: ClinVar variation 2161619 (VCV002161619.4), dbSNP rs2502690333, ClinGen allele CA388857836.